The following is an entry in ClinVar:

ClinVar aggregate classification (germline): Uncertain significance (1 of 4 stars; one submission).

Submission:

GeneDx
Classification: Uncertain significance. Last evaluated: 2025-07-07. Review status: criteria provided, single submitter. Criteria: GeneDx Variant Classification Process June 2021. Collection method: clinical testing. Allele origin: germline. Affected: yes.
Comment: Not observed at significant frequency in large population cohorts (gnomAD); In silico analysis suggests that this missense variant does not alter protein structure/function; Has not been previously published as pathogenic or benign to our knowledge

NM_015015.3(KDM4B):c.1122C>A (p.His374Gln)

Gene: KDM4B (lysine demethylase 4B; plus strand). Cytogenetic location: 19p13.3.
Variant type: single nucleotide variant.
Coding change: c.1122C>A on transcript NM_015015.3 (MANE Select); coding-DNA position 1122, C replaced by A.
Protein change: p.His374Gln; replaces histidine 374 with glutamine.
Molecular consequence: missense variant.
Genome position (GRCh38, 1-based): chr19:5,119,659, C>A. VCF-style: chr19-5119659-C-A. GRCh37 (hg19) VCF-style: chr19-5119670-C-A.
Other names: c.1224C>A, p.His408Gln (NM_001411148.1); short protein forms H374Q, H408Q.
Identifiers: ClinVar variation 4685349 (VCV004685349.1).